The following is an entry in ClinVar:

NM_020791.4(TAOK1):c.1415G>A (p.Arg472Gln)

Gene: TAOK1 (TAO kinase 1; plus strand). Cytogenetic location: 17q11.2.
Variant type: single nucleotide variant.
Coding change: c.1415G>A on transcript NM_020791.4 (MANE Select); coding-DNA position 1415, G replaced by A.
Protein change: p.Arg472Gln; replaces arginine 472 with glutamine.
Molecular consequence: missense variant.
Genome position (GRCh38, 1-based): chr17:29,507,972, G>A. VCF-style: chr17-29507972-G-A. GRCh37 (hg19) VCF-style: chr17-27834990-G-A.
Other names: c.1415G>A, p.Arg472Gln (NM_025142.1); short protein forms R472Q.
Identifiers: ClinVar variation 3373514 (VCV003373514.2).

ClinVar aggregate classification (germline): Uncertain significance (1 of 4 stars; one submission).

gnomAD v4.1: 5 of 1,614,006 alleles (0.00031%); highest among the groups gnomAD compares: Non-Finnish European, 0.00025%; no homozygotes.

Submission:

GeneDx
Classification: Uncertain significance. Last evaluated: 2025-03-24. Review status: criteria provided, single submitter. Criteria: GeneDx Variant Classification Process June 2021. Collection method: clinical testing. Allele origin: germline. Affected: yes.
Comment: Not observed at significant frequency in large population cohorts (gnomAD); In silico analysis supports that this missense variant has a deleterious effect on protein structure/function; Has not been previously published as pathogenic or benign to our knowledge